The following is an entry in ClinVar:

NC_000010.10:g.(?_55581618)_(56424022_?)dup

Gene: PCDH15 (protocadherin related 15; minus strand). Cytogenetic location: 10q21.1.
Variant type: Duplication.
Identifiers: ClinVar variation 2427105 (VCV002427105.3).

ClinVar aggregate classification (germline): Uncertain significance (1 of 4 stars; one submission).

Submission:

Labcorp Genetics (formerly Invitae), Labcorp
Classification: Uncertain significance. Last evaluated: 2021-09-04. Review status: criteria provided, single submitter. Criteria: Invitae Variant Classification Sherloc (09022015). Collection method: clinical testing. Allele origin: germline.
Comment: A copy number gain of the genomic region encompassing the full coding sequence of the PCDH15 gene has been identified. The boundaries of this event are unknown as they extend beyond the assayed region for this gene and therefore may encompass additional genes. As the precise location of this event is unknown, it may be in tandem or it may be located elsewhere in the genome. This variant has not been reported in the literature in individuals with PCDH15-related conditions. In summary, the available evidence is currently insufficient to determine the role of this variant in disease. Therefore, it has been classified as a Variant of Uncertain Significance.